The following is an entry in ClinVar:

ClinVar aggregate classification (germline): Uncertain significance. Review status: criteria provided, multiple submitters, no conflicts (2 of 4 stars). 4 submissions from 4 submitters: Uncertain significance (4). Last evaluated 2024-12-03.

Conditions:
Inborn genetic diseases. Identifiers: MedGen C0950123, MeSH D030342.
Joubert syndrome 23 (JBTS23). Identifiers: Orphanet 475, MedGen C4084822, MONDO:0014664, OMIM 616490.
Short-rib thoracic dysplasia 14 with polydactyly (SRTD14). Identifiers: Orphanet 397715, MedGen C4225286, MONDO:0014688, OMIM 616546.

Allele frequency attached by ClinVar (database versions not stated): gnomAD exomes 0.00003 and 0.00006; gnomAD 0.00004 and 0.00005; TOPMed 0.00006; ExAC 0.00007.
gnomAD v4.1: 56 of 1,613,444 alleles (0.0035%); highest among the groups gnomAD compares: Middle Eastern, 0.016%; no homozygotes.

Submissions (4):

Ambry Genetics
Classification: Uncertain significance for Inborn genetic diseases. Last evaluated: 2024-12-03. Review status: criteria provided, single submitter. Criteria: Ambry Variant Classification Scheme 2023. Collection method: clinical testing. Allele origin: germline.

Labcorp Genetics (formerly Invitae), Labcorp
Classification: Uncertain significance for Joubert syndrome 23; Short-rib thoracic dysplasia 14 with polydactyly. Last evaluated: 2023-12-07. Review status: criteria provided, single submitter. Criteria: Invitae Variant Classification Sherloc (09022015). Collection method: clinical testing. Allele origin: germline.
Comment: This sequence change replaces serine, which is neutral and polar, with leucine, which is neutral and non-polar, at codon 1139 of the KIAA0586 protein (p.Ser1139Leu). This variant is present in population databases (rs772256006, gnomAD 0.01%). This variant has not been reported in the literature in individuals affected with KIAA0586-related conditions. ClinVar contains an entry for this variant (Variation ID: 1194232). Advanced modeling of protein sequence and biophysical properties (such as structural, functional, and spatial information, amino acid conservation, physicochemical variation, residue mobility, and thermodynamic stability) performed at Invitae indicates that this missense variant is expected to disrupt KIAA0586 protein function with a positive predictive value of 80%. In summary, the available evidence is currently insufficient to determine the role of this variant in disease. Therefore, it has been classified as a Variant of Uncertain Significance.

Institute of Human Genetics, Clinical Exome/Genome Diagnostics Group, University Hospital Bonn
Classification: Uncertain significance. Last evaluated: 2021-01-27. Review status: criteria provided, single submitter. Criteria: ACMG Guidelines, 2015. Collection method: clinical testing. Allele origin: biparental. Affected: yes.
Comment: PP3

GeneDx
Classification: Uncertain significance. Last evaluated: 2019-11-04. Review status: criteria provided, single submitter. Criteria: GeneDx Variant Classification Process June 2021. Collection method: clinical testing. Allele origin: germline. Affected: yes.
Comment: In silico analysis, which includes protein predictors and evolutionary conservation, supports a deleterious effect; Has not been previously published as pathogenic or benign to our knowledge

NM_001329943.3(KIAA0586):c.3257C>T (p.Ser1086Leu)

Gene: KIAA0586 (KIAA0586; plus strand). Cytogenetic location: 14q23.1.
Variant type: single nucleotide variant.
Coding change: c.3257C>T on transcript NM_001329943.3 (MANE Select); coding-DNA position 3257, C replaced by T.
Protein change: p.Ser1086Leu; replaces serine 1086 with leucine.
Molecular consequence: missense variant.
Genome position (GRCh38, 1-based): chr14:58,487,119, C>T. VCF-style: chr14-58487119-C-T. GRCh37 (hg19) VCF-style: chr14-58953837-C-T.
Other names: c.3416C>T, p.Ser1139Leu (NM_001244189.2); c.3212C>T, p.Ser1071Leu (NM_001244190.2); c.3002C>T, p.Ser1001Leu (NM_001244191.2, NM_001329945.2, NM_001364700.1 and 1 more transcripts); c.3125C>T, p.Ser1042Leu (NM_001244192.2); c.2837C>T, p.Ser946Leu (NM_001244193.2); c.3257C>T, p.Ser1086Leu (NM_001329944.2, NM_001329946.2, NM_001329947.2); c.3029C>T, p.Ser1010Leu (NM_014749.5); c.3029C>T (NM_014749.3); short protein forms S1001L, S1010L, S1042L, S1071L, S1086L, S1139L, S946L.
Identifiers: ClinVar variation 1194232 (VCV001194232.7), dbSNP rs772256006, ClinGen allele CA7206103.
Genomic context (GRCh38, chr14:58,487,119, plus strand): 5'-CTTCATCACCTGCTAAGGAGTGTGTTTTGGTAAAGACTCCAGATTCTTCTCCCTGTGATT[C>T]GGATCATGATATGGCTTTTCCTGTGAAAGAAATATGTGCTGAAAAAGGTAGAAACTTTAT-3'
Protein context (NP_001316872.1, residues 1076-1096): VKTPDSSPCD[Ser1086Leu]DHDMAFPVKE